The following is an entry in ClinVar:

ClinVar aggregate classification (germline): Likely pathogenic (1 of 4 stars; one submission).

Conditions:
Retinitis pigmentosa 49 (RP49). Identifiers: Orphanet 791, MedGen C3151059, MONDO:0013405, OMIM 613756.

Allele frequency attached by ClinVar (database versions not stated): gnomAD exomes below 0.00001.
gnomAD v4.1: 1 of 1,614,184 alleles (0.000062%); highest among the groups gnomAD compares: Non-Finnish European, 0.000085%; no homozygotes.

Submission:

DBGen Ocular Genomics
Classification: Likely pathogenic for Retinitis pigmentosa 49. Last evaluated: 2022-01-01. Review status: criteria provided, single submitter. Criteria: ACMG Guidelines, 2015. Collection method: clinical testing. Allele origin: inherited. Inheritance: Autosomal recessive inheritance. Affected: yes.
Comment: Class 4 ACMG Guidelines, 2015

NM_001379270.1(CNGA1):c.1448T>G (p.Leu483Arg)

Genes: CNGA1 (cyclic nucleotide gated channel subunit alpha 1; minus strand), LOC101927157 (uncharacterized LOC101927157; plus strand). Cytogenetic location: 4p12.
Variant type: single nucleotide variant.
Coding change: c.1448T>G on transcript NM_001379270.1 (MANE Select); coding-DNA position 1448, T replaced by G.
Protein change: p.Leu483Arg; replaces leucine 483 with arginine.
Molecular consequence: missense variant.
Genome position (GRCh38, 1-based): chr4:47,937,034, A>C on the plus strand (T>G on the coding strand, the complement: CNGA1 is on the minus strand). VCF-style: chr4-47937034-A-C. GRCh37 (hg19) VCF-style: chr4-47939051-A-C.
Other names: c.1448T>G, p.Leu483Arg (NM_000087.5, NM_001142564.2); short protein forms L483R.
Identifiers: ClinVar variation 2628049 (VCV002628049.2), dbSNP rs2475748633, ClinGen allele CA356825712.